The following is an entry in ClinVar:

NM_182914.3(SYNE2):c.20185C>G (p.Leu6729Val)

Gene: SYNE2 (spectrin repeat containing nuclear envelope protein 2; plus strand). Cytogenetic location: 14q23.2.
Variant type: single nucleotide variant.
Coding change: c.20185C>G on transcript NM_182914.3 (MANE Select); coding-DNA position 20185, C replaced by G.
Protein change: p.Leu6729Val; replaces leucine 6729 with valine.
Molecular consequence: missense variant.
Genome position (GRCh38, 1-based): chr14:64,221,699, C>G. VCF-style: chr14-64221699-C-G. GRCh37 (hg19) VCF-style: chr14-64688417-C-G.
Other names: c.20116C>G, p.Leu6706Val (NM_015180.6); c.751C>G, p.Leu251Val (NM_182910.2); c.1129C>G, p.Leu377Val (NM_182913.4); short protein forms L6729V, L6706V, L251V, L377V.
Identifiers: ClinVar variation 1437034 (VCV001437034.6), dbSNP rs771563821, ClinGen allele CA7224745.

ClinVar aggregate classification (germline): Uncertain significance (1 of 4 stars; one submission).

Conditions:
Emery-Dreifuss muscular dystrophy 5, autosomal dominant (EDMD5). Also called: EMERY-DREIFUSS MUSCULAR DYSTROPHY 5. Identifiers: Orphanet 261, MedGen C2751805, MONDO:0013072, OMIM 612999.

Allele frequency attached by ClinVar (database versions not stated): TOPMed below 0.00001; gnomAD 0.00001; gnomAD exomes 0.00001 and 0.00002; ExAC 0.00002.
gnomAD v4.1: 6 of 1,613,652 alleles (0.00037%); highest among the groups gnomAD compares: Admixed American, 0.01%; no homozygotes.

Submission:

Labcorp Genetics (formerly Invitae), Labcorp
Classification: Uncertain significance for Emery-Dreifuss muscular dystrophy 5, autosomal dominant. Last evaluated: 2022-08-16. Review status: criteria provided, single submitter. Criteria: Invitae Variant Classification Sherloc (09022015). Collection method: clinical testing. Allele origin: germline.
Comment: This variant has not been reported in the literature in individuals affected with SYNE2-related conditions. This variant is present in population databases (rs771563821, gnomAD 0.01%). This sequence change replaces leucine, which is neutral and non-polar, with valine, which is neutral and non-polar, at codon 6729 of the SYNE2 protein (p.Leu6729Val). ClinVar contains an entry for this variant (Variation ID: 1437034). In summary, the available evidence is currently insufficient to determine the role of this variant in disease. Therefore, it has been classified as a Variant of Uncertain Significance. Algorithms developed to predict the effect of sequence changes on RNA splicing suggest that this variant may create or strengthen a splice site. Algorithms developed to predict the effect of missense changes on protein structure and function are either unavailable or do not agree on the potential impact of this missense change (SIFT: "Tolerated"; PolyPhen-2: "Probably Damaging"; Align-GVGD: "Class C0").